The following is an entry in ClinVar:

NM_001040716.2(PC):c.2046C>T (p.Tyr682=)

Gene: PC (pyruvate carboxylase; minus strand). Cytogenetic location: 11q13.2.
Variant type: single nucleotide variant.
Coding change: c.2046C>T on transcript NM_001040716.2 (MANE Select); coding-DNA position 2046, C replaced by T.
Protein change: p.Tyr682=; no amino-acid change (tyrosine 682 retained).
Molecular consequence: synonymous variant.
Genome position (GRCh38, 1-based): chr11:66,851,217, G>A on the plus strand (C>T on the coding strand, the complement: PC is on the minus strand). VCF-style: chr11-66851217-G-A. GRCh37 (hg19) VCF-style: chr11-66618688-G-A.
Other names: c.2046C>T, p.Tyr682= (NM_000920.4, NM_022172.3).
Identifiers: ClinVar variation 3054180 (VCV003054180.2), dbSNP rs1945471519, ClinGen allele CA475501037.

ClinVar aggregate classification (germline): Likely benign (0 of 4 stars; one submission).

Conditions:
PC-related disorder. Also called: PC-related condition.

Allele frequency attached by ClinVar (database versions not stated): gnomAD 0.00001.

Submission:

PreventionGenetics, part of Exact Sciences
Classification: Likely benign for PC-related condition. Last evaluated: 2022-06-23. Review status: no assertion criteria provided. Collection method: clinical testing. Allele origin: germline.
Comment: This variant is classified as likely benign based on ACMG/AMP sequence variant interpretation guidelines (Richards et al. 2015 PMID: 25741868, with internal and published modifications).